The following is an entry in ClinVar:

NM_020832.3(ZNF687):c.2047C>T (p.Arg683Trp)

Gene: ZNF687 (zinc finger protein 687; plus strand). Cytogenetic location: 1q21.3.
Variant type: single nucleotide variant.
Coding change: c.2047C>T on transcript NM_020832.3 (MANE Select); coding-DNA position 2047, C replaced by T.
Protein change: p.Arg683Trp; replaces arginine 683 with tryptophan.
Molecular consequence: missense variant.
Genome position (GRCh38, 1-based): chr1:151,288,338, C>T. VCF-style: chr1-151288338-C-T. GRCh37 (hg19) VCF-style: chr1-151260814-C-T.
Other names: c.2047C>T, p.Arg683Trp (NM_001304763.2, NM_001304764.2); short protein forms R683W.
Identifiers: ClinVar variation 3730748 (VCV003730748.2).

ClinVar aggregate classification (germline): Uncertain significance (1 of 4 stars; one submission).

Submission:

Labcorp Genetics (formerly Invitae), Labcorp
Classification: Uncertain significance. Last evaluated: 2024-12-03. Review status: criteria provided, single submitter. Criteria: Invitae Variant Classification Sherloc (09022015). Collection method: clinical testing. Allele origin: germline.
Comment: This sequence change replaces arginine, which is basic and polar, with tryptophan, which is neutral and slightly polar, at codon 683 of the ZNF687 protein (p.Arg683Trp). This variant is present in population databases (rs587752645, gnomAD 0.05%). This variant has not been reported in the literature in individuals affected with ZNF687-related conditions. An algorithm developed to predict the effect of missense changes on protein structure and function (PolyPhen-2) suggests that this variant is likely to be disruptive. In summary, the available evidence is currently insufficient to determine the role of this variant in disease. Therefore, it has been classified as a Variant of Uncertain Significance.